The following is an entry in ClinVar:

ClinVar aggregate classification (germline): Likely pathogenic. Review status: criteria provided, single submitter (1 of 4 stars). 2 submissions from 2 submitters: Likely pathogenic (1). 1 of the submissions does not count toward it. Last evaluated 2025-07-25.

Conditions:
Isolated hyperchlorhidrosis. Identifiers: Orphanet 542657, MedGen C1840437, MONDO:0007747, OMIM 143860.

Allele frequency attached by ClinVar (database versions not stated): gnomAD 0.00001; gnomAD exomes 0.00001; TOPMed 0.00002.
gnomAD v4.1: 9 of 1,606,472 alleles (0.00056%); highest among the groups gnomAD compares: African/African-American, 0.0027%; no homozygotes.

Submissions (2):

First Genomix Gene Laboratory, Genetic Diagnostics Department
Classification: Likely pathogenic for Isolated hyperchlorhidrosis. Last evaluated: 2025-07-25. Review status: criteria provided, single submitter. Criteria: ACMG Guidelines, 2015. Collection method: clinical testing. Allele origin: germline. Inheritance: Autosomal recessive inheritance. Affected: no. Observed: 1 variant allele.

OMIM
Classification: Pathogenic for HYPERCHLORHIDROSIS, ISOLATED. Last evaluated: 2011-04-01. Review status: no assertion criteria provided. Collection method: literature only. Allele origin: germline. Not counted in ClinVar's aggregate classification.

Literature cited by the submitters: PubMed 21035102 (cited by OMIM); PubMed 21184099 (cited by OMIM).

NM_001218.5(CA12):c.427G>A (p.Glu143Lys)

Gene: CA12 (carbonic anhydrase 12; minus strand). Cytogenetic location: 15q22.2.
Variant type: single nucleotide variant.
Coding change: c.427G>A on transcript NM_001218.5 (MANE Select); coding-DNA position 427, G replaced by A.
Protein change: p.Glu143Lys; replaces glutamic acid 143 with lysine.
Molecular consequence: missense variant. On other transcripts: non-coding transcript variant (1).
Genome position (GRCh38, 1-based): chr15:63,345,479, C>T on the plus strand (G>A on the coding strand, the complement: CA12 is on the minus strand). VCF-style: chr15-63345479-C-T. GRCh37 (hg19) VCF-style: chr15-63637678-C-T.
Other names: c.247G>A, p.Glu83Lys (NM_001293642.2); c.427G>A, p.Glu143Lys (NM_206925.3); short protein forms E143K, E83K.
Identifiers: ClinVar variation 18442 (VCV000018442.2), dbSNP rs267606694, ClinGen allele CA118349.
Genomic context (GRCh38, chr15:63,345,479, plus strand): 5'-GAAGGTGCCACACCACCCACTGCAGAGCAGCCTCTGCCAGACTGGCAGCCCTACTTACCT[C>T]GGCGGCGAAGTGCTGTCCGCTGACGGTGTGCTCAGAGCCGTGCGGGTCATTCGGGTTCCC-3'
Protein context (NP_001209.1, residues 133-153): HTVSGQHFAA[Glu143Lys]LHIVHYNSDL